The following is an entry in ClinVar:

NM_001372106.1(DNAH10):c.11461A>C (p.Ile3821Leu)

Genes: DNAH10 (dynein axonemal heavy chain 10; plus strand), LOC126861667 (CDK7 strongly-dependent group 2 enhancer GRCh37_chr12:124402328-124403527; plus strand). Cytogenetic location: 12q24.31.
Variant type: single nucleotide variant.
Coding change: c.11461A>C on transcript NM_001372106.1 (MANE Select); coding-DNA position 11461, A replaced by C.
Protein change: p.Ile3821Leu; replaces isoleucine 3821 with leucine.
Molecular consequence: missense variant.
Genome position (GRCh38, 1-based): chr12:123,918,904, A>C. VCF-style: chr12-123918904-A-C. GRCh37 (hg19) VCF-style: chr12-124403451-A-C.
Other names: c.11107A>C, p.Ile3703Leu (NM_207437.3); short protein forms I3703L, I3821L.
Identifiers: ClinVar variation 5005063 (VCV005005063.2).
Genomic context (GRCh38, chr12:123,918,904, plus strand): 5'-TTCAGGCTGTCACTGAAGAAGTCGCTGCCTGATTCCATCCTCATGAAACGCCTGAGGAAC[A>C]TCATGGACACGCTGACCTTCAGCATCTATAACCACGGCTGCACAGGTGAGCTCTCCCCAC-3'
Protein context (NP_001359035.1, residues 3811-3831): DSILMKRLRN[Ile3821Leu]MDTLTFSIYN

ClinVar aggregate classification (germline): Uncertain significance (1 of 4 stars; one submission).

Conditions:
Spermatogenic failure 56. Identifiers: MedGen C5561978, MONDO:0030430, OMIM 619515.

gnomAD v4.1: 152 of 1,613,840 alleles (0.0094%); highest among the groups gnomAD compares: East Asian, 0.25%; no homozygotes.

Submission:

Juno Genomics, Hangzhou Juno Genomics, Inc
Classification: Uncertain significance for Spermatogenic failure 56. Review status: criteria provided, single submitter. Criteria: ACMG Guidelines, 2015. Collection method: clinical testing. Allele origin: germline.
Comment: Absent from controls (or at extremely low frequency if recessive) in Genome Aggregation Database.;Missense variant in a gene that has a low rate of benign missense variation.;Multiple lines of computational evidence suggest no impact on gene or gene product.